The following is an entry in ClinVar:

ClinVar aggregate classification (germline): Conflicting classifications of pathogenicity. Review status: criteria provided, conflicting classifications (1 of 4 stars). 2 submissions from 2 submitters: Uncertain significance (1); Likely benign (1). Last evaluated 2024-03-21.

Conditions:
Hereditary cancer-predisposing syndrome. Also called: Hereditary Cancer Syndrome; Hereditary neoplastic syndrome; Neoplastic Syndromes, Hereditary; Tumor predisposition. Identifiers: Orphanet 140162, MedGen C0027672, MeSH D009386, MONDO:0015356.

Submissions (2):

Ambry Genetics
Classification: Uncertain significance for Hereditary cancer-predisposing syndrome. Last evaluated: 2024-03-21. Review status: criteria provided, single submitter. Criteria: Ambry Variant Classification Scheme 2023. Collection method: clinical testing. Allele origin: germline.
Comment: The p.P453S variant (also known as c.1357C>T), located in coding exon 9 of the BRCA2 gene, results from a C to T substitution at nucleotide position 1357. The proline at codon 453 is replaced by serine, an amino acid with similar properties. This amino acid position is not well conserved in available vertebrate species, and serine is the reference amino acid in other vertebrate species. In addition, this alteration is predicted to be tolerated by in silico analysis. Since supporting evidence is limited at this time, the clinical significance of this alteration remains unclear.

University of Washington Department of Laboratory Medicine, University of Washington
Classification: Likely benign for Hereditary cancer-predisposing syndrome. Last evaluated: 2023-03-23. Review status: criteria provided, single submitter. Criteria: Dines et al. (Genet Med. 2020). Collection method: curation. Allele origin: germline.
Comment: Missense variant in a coldspot region where missense variants are very unlikely to be pathogenic (PMID:31911673).

BRCA2 exon 10 coldspot. Reclassification based on statistical prior probability.

NM_000059.4(BRCA2):c.1357C>T (p.Pro453Ser)

Gene: BRCA2 (BRCA2 DNA repair associated; plus strand). Cytogenetic location: 13q13.1.
Variant type: single nucleotide variant.
Coding change: c.1357C>T on transcript NM_000059.4 (MANE Select); coding-DNA position 1357, C replaced by T.
Protein change: p.Pro453Ser; replaces proline 453 with serine.
Molecular consequence: missense variant.
Genome position (GRCh38, 1-based): chr13:32,332,835, C>T. VCF-style: chr13-32332835-C-T. GRCh37 (hg19) VCF-style: chr13-32906972-C-T.
Other names: c.1357C>T, p.Pro453Ser (NM_001406719.1, NM_001406720.1, NM_001406721.1); short protein forms P453S.
Identifiers: ClinVar variation 1770726 (VCV001770726.5), dbSNP rs1566223373, ClinGen allele CA387762813.